The following is an entry in ClinVar:

ClinVar aggregate classification (germline): Uncertain significance. Review status: criteria provided, multiple submitters, no conflicts (2 of 4 stars). 4 submissions from 4 submitters: Uncertain significance (4). Last evaluated 2025-08-30.

Conditions:
Arthrogryposis, cleft palate, craniosynostosis, and impaired intellectual development. Identifiers: Orphanet 565858, MedGen C4748872, MONDO:0032642, OMIM 618265.
Developmental and epileptic encephalopathy 91. Also called: EPILEPTIC ENCEPHALOPATHY, INFANTILE OR EARLY CHILDHOOD, 1. Identifiers: MedGen C4540199, MONDO:0020630, OMIM 617711.
Inborn genetic diseases. Identifiers: MedGen C0950123, MeSH D030342.

Allele frequency attached by ClinVar (database versions not stated): ExAC 0.00002; gnomAD exomes 0.00001 and 0.00002; TOPMed 0.00001; gnomAD 0.00001.
gnomAD v4.1: 36 of 1,606,152 alleles (0.0022%); highest among the groups gnomAD compares: Non-Finnish European, 0.0029%; no homozygotes.

Submissions (4):

Ambry Genetics
Classification: Uncertain significance for Inborn genetic diseases. Last evaluated: 2025-08-30. Review status: criteria provided, single submitter. Criteria: Ambry Variant Classification Scheme 2023. Collection method: clinical testing. Allele origin: germline.

Labcorp Genetics (formerly Invitae), Labcorp
Classification: Uncertain significance. Last evaluated: 2025-06-05. Review status: criteria provided, single submitter. Criteria: Invitae Variant Classification Sherloc (09022015). Collection method: clinical testing. Allele origin: germline.
Comment: This sequence change replaces isoleucine, which is neutral and non-polar, with valine, which is neutral and non-polar, at codon 277 of the PPP3CA protein (p.Ile277Val). This variant is present in population databases (rs540250871, gnomAD 0.002%). This variant has not been reported in the literature in individuals affected with PPP3CA-related conditions. ClinVar contains an entry for this variant (Variation ID: 1369039). Invitae Evidence Modeling of protein sequence and biophysical properties (such as structural, functional, and spatial information, amino acid conservation, physicochemical variation, residue mobility, and thermodynamic stability) indicates that this missense variant is not expected to disrupt PPP3CA protein function with a negative predictive value of 80%. In summary, the available evidence is currently insufficient to determine the role of this variant in disease. Therefore, it has been classified as a Variant of Uncertain Significance.

Women's Health and Genetics/Laboratory Corporation of America, LabCorp
Classification: Uncertain significance. Last evaluated: 2025-03-12. Review status: criteria provided, single submitter. Criteria: LabCorp Variant Classification Summary - May 2015. Collection method: clinical testing. Allele origin: germline.
Comment: Variant summary: PPP3CA c.829A>G (p.Ile277Val) results in a conservative amino acid change in the encoded protein sequence. Four of five in-silico tools predict a benign effect of the variant on protein function. The variant allele was found at a frequency of 8.4e-06 in 238924 control chromosomes. The available data on variant occurrences in the general population are insufficient to allow any conclusion about variant significance. To our knowledge, no occurrence of c.829A>G in individuals affected with Epileptic Encephalopathy, Infantile Or Early Childhood, 1 and no experimental evidence demonstrating its impact on protein function have been reported. ClinVar contains an entry for this variant (Variation ID: 1369039). Based on the evidence outlined above, the variant was classified as uncertain significance.

Fulgent Genetics
Classification: Uncertain significance for Developmental and epileptic encephalopathy 91; Arthrogryposis, cleft palate, craniosynostosis, and impaired intellectual development. Last evaluated: 2021-08-30. Review status: criteria provided, single submitter. Criteria: ACMG Guidelines, 2015. Collection method: clinical testing. Allele origin: unknown.

NM_000944.5(PPP3CA):c.829A>G (p.Ile277Val)

Gene: PPP3CA (protein phosphatase 3 catalytic subunit alpha; minus strand). Cytogenetic location: 4q24.
Variant type: single nucleotide variant.
Coding change: c.829A>G on transcript NM_000944.5 (MANE Select); coding-DNA position 829, A replaced by G.
Protein change: p.Ile277Val; replaces isoleucine 277 with valine.
Molecular consequence: missense variant.
Genome position (GRCh38, 1-based): chr4:101,083,217, T>C on the plus strand (A>G on the coding strand, the complement: PPP3CA is on the minus strand). VCF-style: chr4-101083217-T-C. GRCh37 (hg19) VCF-style: chr4-102004374-T-C.
Other names: c.829A>G, p.Ile277Val (NM_001130691.2, NM_001130692.2); c.829A>G (NM_000944.4); short protein forms I277V.
Identifiers: ClinVar variation 1369039 (VCV001369039.11), dbSNP rs540250871, ClinGen allele CA3024405.